The following is an entry in ClinVar:

ClinVar aggregate classification (germline): Pathogenic. Review status: criteria provided, multiple submitters, no conflicts (2 of 4 stars). 2 submissions from 2 submitters: Pathogenic (2). Last evaluated 2024-10-29.

Conditions:
AHDC1-related intellectual disability - obstructive sleep apnea - mild dysmorphism syndrome. Also called: Xia-Gibbs syndrome. Identifiers: Orphanet 412069, MedGen C4014419, MONDO:0014358, OMIM 615829.

Submissions (2):

3billion
Classification: Pathogenic for AHDC1-related intellectual disability - obstructive sleep apnea - mild dysmorphism syndrome. Last evaluated: 2024-10-29. Review status: criteria provided, single submitter. Criteria: ACMG Guidelines, 2015. Collection method: clinical testing. Allele origin: germline. Affected: yes.
Comment: The variant is not observed in the gnomAD v4.1.0 dataset. Predicted Consequence/Location: Stop-gained (nonsense): predicted to result in a loss or disruption of normal protein function through nonsense-mediated decay (NMD) or protein truncation. Multiple pathogenic variants are reported downstream of the variant. The variant has been reported to be associated with AHDC1 related disorder (ClinVar ID: VCV003024280). Therefore, this variant is classified as Pathogenic according to the recommendation of ACMG/AMP guideline.

Molecular Genetics Lab, CHRU Brest
Classification: Pathogenic for AHDC1-related intellectual disability - obstructive sleep apnea - mild dysmorphism syndrome. Review status: criteria provided, single submitter. Criteria: ACMG Guidelines, 2015. Collection method: clinical testing. Allele origin: de novo. Affected: yes.

NM_001371928.1(AHDC1):c.2968C>T (p.Gln990Ter)

Gene: AHDC1 (AT-hook DNA binding motif containing 1; minus strand). Cytogenetic location: 1p36.11.
Variant type: single nucleotide variant.
Coding change: c.2968C>T on transcript NM_001371928.1 (MANE Select); coding-DNA position 2968, C replaced by T.
Protein change: p.Gln990Ter; replaces glutamine 990 with a stop codon.
Molecular consequence: nonsense.
Genome position (GRCh38, 1-based): chr1:27,549,148, G>A on the plus strand (C>T on the coding strand, the complement: AHDC1 is on the minus strand). VCF-style: chr1-27549148-G-A. GRCh37 (hg19) VCF-style: chr1-27875659-G-A.
Other names: c.2968C>T, p.Gln990Ter (NM_001029882.3); short protein forms Q990*.
Identifiers: ClinVar variation 3024280 (VCV003024280.2), dbSNP rs2521902609, ClinGen allele CA339228869.